The following is an entry in ClinVar:

ClinVar aggregate classification (germline): Conflicting classifications of pathogenicity. Review status: criteria provided, conflicting classifications (1 of 4 stars). 2 submissions from 2 submitters: Uncertain significance (1); Likely benign (1). Last evaluated 2017-03-02.

Conditions:
Hereditary cancer-predisposing syndrome. Also called: Tumor predisposition; Neoplastic Syndromes, Hereditary; Hereditary Cancer Syndrome; Hereditary neoplastic syndrome. Identifiers: Orphanet 140162, MedGen C0027672, MeSH D009386, MONDO:0015356.

Allele frequency attached by ClinVar (database versions not stated): gnomAD exomes 0.00001; ExAC 0.00002; gnomAD 0.00003 and 0.00004; TOPMed 0.00006; ESP Exome Variant Server 0.00008.
gnomAD v4.1: 5 of 1,613,572 alleles (0.00031%); highest among the groups gnomAD compares: African/African-American, 0.004%; no homozygotes.

Submissions (2):

Color Diagnostics, LLC DBA Color Health
Classification: Likely benign for Hereditary cancer-predisposing syndrome. Last evaluated: 2017-03-02. Review status: criteria provided, single submitter. Criteria: ACMG Guidelines, 2015. Collection method: clinical testing. Allele origin: germline.

Ambry Genetics
Classification: Uncertain significance for Hereditary cancer-predisposing syndrome. Last evaluated: 2015-07-08. Review status: criteria provided, single submitter. Criteria: Ambry Variant Classification Scheme 2023. Collection method: clinical testing. Allele origin: germline.
Comment: The c.*13G>C alteration is located in the 3' untranslated region (3'UTR) of the CDKN2A gene. This alteration consists of a deletion of 1 nucleotides after the last coding exon of the CDKN2A gene. Based on insufficient or conflicting evidence, the clinical significance of this alteration remains unclear.

NM_000077.5(CDKN2A):c.*13G>C

Gene: CDKN2A (cyclin dependent kinase inhibitor 2A; minus strand). Cytogenetic location: 9p21.3.
Variant type: single nucleotide variant.
Coding change: c.*13G>C on transcript NM_000077.5; 13 bases downstream of the stop codon, G replaced by C.
Molecular consequence: 3 prime UTR variant (on NM_001195132.2).
Genome position (GRCh38, 1-based): chr9:21,968,216, C>G on the plus strand (G>C on the coding strand, the complement: CDKN2A is on the minus strand). VCF-style: chr9-21968216-C-G. GRCh37 (hg19) VCF-style: chr9-21968215-C-G.
Other names: c.*13G>C (NM_000077.6, NM_001363763.2); c.*177G>C (NM_001195132.2); c.*128G>C (NM_058195.4); c.*407G>C (NM_058197.5).
Identifiers: ClinVar variation 627660 (VCV000627660.3), dbSNP rs374668781, ClinGen allele CA5012122.
Genomic context (GRCh38, chr9:21,968,216, plus strand): 5'-TTGTGGCCCTGTAGGACCTTCGGTGACTGATGATCTAAGTTTCCCGAGGTTTCTCAGAGC[C>G]TCTCTGGTTCTTTCAATCGGGGATGTCTGCAGAGGGCAGAAAGAAAACAGGCGTTAGAAA-3'